The following is an entry in ClinVar:

ClinVar aggregate classification (germline): Likely benign (1 of 4 stars; one submission).

Submission:

CeGaT Center for Human Genetics Tuebingen
Classification: Likely benign. Last evaluated: 2025-08-01. Review status: criteria provided, single submitter. Criteria: CeGaT Center For Human Genetics Tuebingen Variant Classification Criteria Version 2. Collection method: clinical testing. Allele origin: germline. Affected: yes. Observed: 1 variant allele.
Comment: PLK4: BP4, BP7

NM_014264.5(PLK4):c.1338A>G (p.Arg446=)

Gene: PLK4 (polo like kinase 4; plus strand). Cytogenetic location: 4q28.1.
Variant type: single nucleotide variant.
Coding change: c.1338A>G on transcript NM_014264.5 (MANE Select); coding-DNA position 1338, A replaced by G.
Protein change: p.Arg446=; no amino-acid change (arginine 446 retained).
Molecular consequence: synonymous variant. On other transcripts: intron variant (6).
Genome position (GRCh38, 1-based): chr4:127,886,708, A>G. VCF-style: chr4-127886708-A-G. GRCh37 (hg19) VCF-style: chr4-128807863-A-G.
Other names: c.1242A>G, p.Arg414= (NM_001190799.2); c.1215A>G, p.Arg405= (NM_001190801.2); c.1341A>G, p.Arg447= (NM_001441357.1); c.1197A>G, p.Arg399= (NM_001441360.1); c.1338A>G, p.Arg446= (NM_001441362.1); c.1068A>G, p.Arg356= (NM_001441368.1); c.717A>G, p.Arg239= (NM_001441371.1); c.1133+82A>G (NM_001441366.1); and 4 more.
Identifiers: ClinVar variation 4084621 (VCV004084621.8).